The following is an entry in ClinVar:

NM_001379403.1(WDR26):c.1196G>A (p.Arg399Gln)

Gene: WDR26 (WD repeat domain 26; minus strand). Cytogenetic location: 1q42.12.
Variant type: single nucleotide variant.
Coding change: c.1196G>A on transcript NM_001379403.1 (MANE Select); coding-DNA position 1196, G replaced by A.
Protein change: p.Arg399Gln; replaces arginine 399 with glutamine.
Molecular consequence: missense variant.
Genome position (GRCh38, 1-based): chr1:224,418,383, C>T on the plus strand (G>A on the coding strand, the complement: WDR26 is on the minus strand). VCF-style: chr1-224418383-C-T. GRCh37 (hg19) VCF-style: chr1-224606085-C-T.
Other names: c.848G>A, p.Arg283Gln (NM_001115113.3); c.896G>A, p.Arg299Gln (NM_025160.7); short protein forms R283Q, R299Q, R399Q.
Identifiers: ClinVar variation 928665 (VCV000928665.6), dbSNP rs1673967254, ClinGen allele CA344750058.

ClinVar aggregate classification (germline): Conflicting classifications of pathogenicity. Review status: criteria provided, conflicting classifications (1 of 4 stars). 5 submissions from 5 submitters: Likely pathogenic (1); Uncertain significance (4). Last evaluated 2025-05-30.

Conditions:
WDR26-related disorder. Also called: WDR26-related condition.

Submissions (5):

Dasa
Classification: Uncertain significance. Last evaluated: 2025-05-30. Review status: criteria provided, single submitter. Criteria: DASA Assertion Criteria. Collection method: clinical testing. Allele origin: germline.
Comment: NM_001379403.1(WDR26):c.1196G>A (p.Arg399Gln) is a missense variant that results in the substitution of arginine with glutamine. This variant is absent from population databases. Computational prediction algorithms are consistent with a benign effect. The currently available literature and clinical evidence are not sufficient to establish a definitive association between this variant and the reported condition. Therefore, this variant is classified as a variant of uncertain significance.

GeneDx
Classification: Uncertain significance. Last evaluated: 2025-01-14. Review status: criteria provided, single submitter. Criteria: GeneDx Variant Classification Process June 2021. Collection method: clinical testing. Allele origin: germline. Affected: yes.
Comment: De novo variant with confirmed parentage in a patient with autism; however, the reported clinical features are only partially consistent with the features typically observed in individuals with pathogenic variants in this gene (PMID: 35982159); Not observed at significant frequency in large population cohorts (gnomAD); In silico analysis suggests this variant may impact gene splicing. In the absence of RNA/functional studies, the actual effect of this sequence change is unknown.; In silico analysis indicates that this missense variant does not alter protein structure/function; This variant is associated with the following publications: (PMID: 35982159)

Blueprint Genetics
Classification: Uncertain significance. Last evaluated: 2023-09-07. Review status: criteria provided, single submitter. Criteria: ACMG Guidelines, 2015. Collection method: clinical testing. Allele origin: germline.

PreventionGenetics, part of Exact Sciences
Classification: Likely pathogenic for WDR26-related condition. Last evaluated: 2023-08-09. Review status: criteria provided, single submitter. Criteria: ACMG Guidelines, 2015. Collection method: clinical testing. Allele origin: germline.
Comment: The WDR26 c.896G>A variant is predicted to result in the amino acid substitution p.Arg299Gln. To our knowledge, this variant has not been reported in the literature or in a large population database, indicating this variant is rare. Other de novo missense variants in WDR26 have been reported as causative for disease (Skraban et al. 2017. PubMed ID: 28686853). This variant is interpreted as likely pathogenic.

Women's Health and Genetics/Laboratory Corporation of America, LabCorp
Classification: Uncertain significance. Last evaluated: 2019-12-11. Review status: criteria provided, single submitter. Criteria: LabCorp Variant Classification Summary - May 2015. Collection method: clinical testing. Allele origin: germline.
Comment: Variant summary: WDR26 c.896G>A (p.Arg299Gln) results in a conservative amino acid change in the encoded protein sequence. Four of five in-silico tools predict a benign effect of the variant on protein function. The variant was absent in 250848 control chromosomes (gnomAD). The available data on variant occurrences in the general population are insufficient to allow any conclusion about variant significance. To our knowledge, no occurrence of c.896G>A in individuals affected with Skraban-Deardorff syndrome and no experimental evidence demonstrating its impact on protein function have been reported. No clinical diagnostic laboratories have submitted clinical-significance assessments for this variant to ClinVar after 2014. Based on the evidence outlined above, the variant was classified as uncertain significance.